The following is an entry in ClinVar:

ClinVar aggregate classification (germline): Likely benign. Review status: criteria provided, multiple submitters, no conflicts (2 of 4 stars). 2 submissions from 2 submitters: Likely benign (2). Last evaluated 2026-05-23.

Conditions:
TPRN-related disorder. Also called: TPRN-related condition.

gnomAD v4.1: 55 of 1,609,064 alleles (0.0034%); highest among the groups gnomAD compares: Admixed American, 0.04%; no homozygotes.

Submissions (2):

PreventionGenetics, part of Exact Sciences
Classification: Likely benign for TPRN-related condition. Last evaluated: 2026-05-23. Review status: criteria provided, single submitter. Criteria: ACMG Guidelines, 2015. Collection method: clinical testing. Allele origin: germline.
Comment: This variant is classified as likely benign based on ACMG/AMP sequence variant interpretation guidelines (Richards et al. 2015 PMID: 25741868, with internal and published modifications).

Labcorp Genetics (formerly Invitae), Labcorp
Classification: Likely benign. Last evaluated: 2025-06-10. Review status: criteria provided, single submitter. Criteria: Invitae Variant Classification Sherloc (09022015). Collection method: clinical testing. Allele origin: germline.

NM_001128228.3(TPRN):c.1869C>T (p.Ser623=)

Gene: TPRN (taperin; minus strand). Cytogenetic location: 9q34.3.
Variant type: single nucleotide variant.
Coding change: c.1869C>T on transcript NM_001128228.3 (MANE Select); coding-DNA position 1869, C replaced by T.
Protein change: p.Ser623=; no amino-acid change (serine 623 retained).
Molecular consequence: synonymous variant.
Genome position (GRCh38, 1-based): chr9:137,192,548, G>A on the plus strand (C>T on the coding strand, the complement: TPRN is on the minus strand). VCF-style: chr9-137192548-G-A. GRCh37 (hg19) VCF-style: chr9-140087000-G-A.
Other names: c.1869C>T (NM_001128228.2).
Identifiers: ClinVar variation 4752910 (VCV004752910.2).